The following is an entry in ClinVar:

NM_000944.5(PPP3CA):c.1341_1344del (p.Thr448fs)

Gene: PPP3CA (protein phosphatase 3 catalytic subunit alpha; minus strand). Cytogenetic location: 4q24.
Variant type: Deletion.
Coding change: c.1341_1344del on transcript NM_000944.5 (MANE Select); coding-DNA positions 1341 to 1344, 4 bases deleted (TACT; older notation c.1341_1344delTACT).
Protein change: p.Thr448fs; shifts the reading frame from threonine 448.
Molecular consequence: frameshift variant. On other transcripts: intron variant (2).
Genome position (GRCh38, 1-based): chr4:101,029,191-101,029,194, AGTA deleted on the plus strand (TACT on the coding strand, the reverse complement: PPP3CA is on the minus strand). VCF-style (leftmost placement, unchanged base first): chr4-101029190-CAGTA-C. GRCh37 (hg19) VCF-style: chr4-101950347-CAGTA-C.
Other names: c.1213+3073_1213+3076del (NM_001130692.2); c.1339+3073_1339+3076del (NM_001130691.2); short protein forms T448fs.
Identifiers: ClinVar variation 2584523 (VCV002584523.1), dbSNP rs2476203152, ClinGen allele CA2582342658.

ClinVar aggregate classification (germline): Likely pathogenic (1 of 4 stars; one submission).

Conditions:
PPP3CA-related disorder. Also called: PPP3CA-related disorders; PPP3CA-related condition.

Submission:

Rady Children's Institute for Genomic Medicine, Rady Children's Hospital San Diego
Classification: Likely pathogenic for PPP3CA-related disorders. Review status: criteria provided, single submitter. Criteria: ACMG Guidelines, 2015. Collection method: clinical testing. Allele origin: germline. Affected: yes.
Comment: This frameshifting variant in exon 13 of 14 introduces a premature stop codon and is therefore predicted to result in loss of normal protein function through either protein truncation or nonsense-mediated mRNA decay (NMD). This variant has not been previously reported or functionally characterized in the literature to our knowledge. Loss-of-function variation in PPP3CA is an established mechanism of disease (PMID: 30254215, 28942967, 30455226, 29432562). The c.1341_1344del (p.Thr448LeufsTer28) variant is absent from the gnomAD population database and thus is presumed to be rare. Based on the available evidence, the c.1341_1344del (p.Thr448LeufsTer28) variant is classified as Likely Pathogenic.